The following is an entry in ClinVar:

ClinVar aggregate classification (germline): Likely benign. Review status: criteria provided, multiple submitters, no conflicts (2 of 4 stars). 2 submissions from 2 submitters: Likely benign (2). Last evaluated 2025-10-23.

Allele frequency attached by ClinVar (database versions not stated): ExAC 0.00009; gnomAD 0.00009; TOPMed 0.00011; gnomAD exomes 0.00012; ESP Exome Variant Server 0.00016.
gnomAD v4.1: 196 of 1,613,834 alleles (0.012%); highest among the groups gnomAD compares: Non-Finnish European, 0.015%; no homozygotes.

Submissions (2):

Labcorp Genetics (formerly Invitae), Labcorp
Classification: Likely benign. Last evaluated: 2025-10-23. Review status: criteria provided, single submitter. Criteria: Invitae Variant Classification Sherloc (09022015). Collection method: clinical testing. Allele origin: germline.

CeGaT Center for Human Genetics Tuebingen
Classification: Likely benign. Last evaluated: 2022-07-01. Review status: criteria provided, single submitter. Criteria: CeGaT Center For Human Genetics Tuebingen Variant Classification Criteria Version 2. Collection method: clinical testing. Allele origin: germline. Affected: yes. Observed: 1 variant allele.
Comment: HOMER2: BP4, BP7

NM_004839.4(HOMER2):c.432C>T (p.Ala144=)

Gene: HOMER2 (homer scaffold protein 2; minus strand). Cytogenetic location: 15q25.2.
Variant type: single nucleotide variant.
Coding change: c.432C>T on transcript NM_004839.4 (MANE Select); coding-DNA position 432, C replaced by T.
Protein change: p.Ala144=; no amino-acid change (alanine 144 retained).
Molecular consequence: synonymous variant.
Genome position (GRCh38, 1-based): chr15:82,859,091, G>A on the plus strand (C>T on the coding strand, the complement: HOMER2 is on the minus strand). VCF-style: chr15-82859091-G-A. GRCh37 (hg19) VCF-style: chr15-83527843-G-A.
Other names: c.465C>T, p.Ala155= (NM_199330.3).
Identifiers: ClinVar variation 2158596 (VCV002158596.28), dbSNP rs370161333, ClinGen allele CA7702148.